The following is an entry in ClinVar:

NM_004364.5(CEBPA):c.206del (p.Asp69fs)

Gene: CEBPA (CCAAT enhancer binding protein alpha; minus strand). Cytogenetic location: 19q13.11.
Variant type: Deletion.
Coding change: c.206del on transcript NM_004364.5 (MANE Select); coding-DNA position 206, one base deleted (A; older notation c.206delA).
Protein change: p.Asp69fs; shifts the reading frame from aspartic acid 69.
Molecular consequence: frameshift variant. On other transcripts: 5 prime UTR variant (1).
Genome position (GRCh38, 1-based): chr19:33,302,209, T deleted on the plus strand (A on the coding strand, the reverse complement: CEBPA is on the minus strand). VCF-style (leftmost placement, unchanged base first): chr19-33302208-GT-G. GRCh37 (hg19) VCF-style: chr19-33793114-GT-G.
Other names: c.-152del (NM_001285829.2); c.311del, p.Asp104fs (NM_001287424.2); c.164del, p.Asp55fs (NM_001287435.2); short protein forms D104fs, D69fs, D55fs.
Identifiers: ClinVar variation 965859 (VCV000965859.10), dbSNP rs1967194243, ClinGen allele CA1139666396.

ClinVar aggregate classification (germline): Pathogenic (1 of 4 stars; one submission).

Conditions:
Acute myeloid leukemia (AML). Also called: Acute myeloid leukemia, adult; AML adult; Acute non-lymphocytic leukemia; Acute granulocytic leukemia; Leukemia, acute myelogenous, somatic; Leukemia, acute myeloid, somatic. Identifiers: Orphanet 519, MedGen C0023467, MeSH D015470, MONDO:0018874, OMIM 601626, HP:0004808. Disease mechanism: Constitutively activated FLT3.

Submission:

Labcorp Genetics (formerly Invitae), Labcorp
Classification: Pathogenic for Acute myeloid leukemia. Last evaluated: 2019-11-14. Review status: criteria provided, single submitter. Criteria: Invitae Variant Classification Sherloc (09022015). Collection method: clinical testing. Allele origin: germline.
Comment: The frequency data for this variant in the population databases is considered unreliable, as metrics indicate insufficient coverage at this position in the ExAC database. This sequence change results in a premature translational stop signal in the CEBPA gene (p.Asp69Alafs*91). While this is not anticipated to result in nonsense mediated decay, it is expected to disrupt the last 290 amino acids of the CEBPA protein. This variant has not been reported in the literature in individuals with CEBPA-related conditions. For these reasons, this variant has been classified as Pathogenic. This variant disrupts the C-terminus of the CEBPA protein. Other variant(s) that disrupt this region (p.Asp107Alafs*53, p.Glu148*) have been determined to be pathogenic (PMID: 11242107, 26162409, 29296967). This suggests that variants that disrupt this region of the protein are likely to be causative of disease.

Literature cited by the submitters: PubMed 11242107; PubMed 26162409; PubMed 29296967.